The following is an entry in ClinVar:

ClinVar aggregate classification (germline): Pathogenic. Review status: criteria provided, multiple submitters, no conflicts (2 of 4 stars). 2 submissions from 2 submitters: Pathogenic (2). Last evaluated 2024-05-07.

Conditions:
Intellectual developmental disorder, autosomal recessive 13. Also called: Intellectual disability, autosomal recessive 13. Identifiers: Orphanet 88616, MedGen C2750791, MONDO:0013173, OMIM 613192.

Submissions (2):

Women's Health and Genetics/Laboratory Corporation of America, LabCorp
Classification: Pathogenic for Intellectual developmental disorder, autosomal recessive 13. Last evaluated: 2024-05-07. Review status: criteria provided, single submitter. Criteria: LabCorp Variant Classification Summary - May 2015. Collection method: clinical testing. Allele origin: germline.
Comment: Variant summary: TRAPPC9 c.2841dupT (p.Glu948X) results in a premature termination codon, predicted to cause a truncation of the encoded protein or absence of the protein due to nonsense mediated decay, which are commonly known mechanisms for disease. The variant allele was found at a frequency of 4e-06 in 251394 control chromosomes. To our knowledge, no occurrence of c.2841dupT in individuals affected with Intellectual Disability, Autosomal Recessive 13 and no experimental evidence demonstrating its impact on protein function have been reported. ClinVar contains an entry for this variant (Variation ID: 2778686). Based on the evidence outlined above, the variant was classified as pathogenic.

Labcorp Genetics (formerly Invitae), Labcorp
Classification: Pathogenic. Last evaluated: 2022-12-25. Review status: criteria provided, single submitter. Criteria: Invitae Variant Classification Sherloc (09022015). Collection method: clinical testing. Allele origin: germline.
Comment: This variant is present in population databases (no rsID available, gnomAD 0.002%). This sequence change creates a premature translational stop signal (p.Glu1046*) in the TRAPPC9 gene. It is expected to result in an absent or disrupted protein product. Loss-of-function variants in TRAPPC9 are known to be pathogenic (PMID: 2000476, 20004763, 20004764). This variant has not been reported in the literature in individuals affected with TRAPPC9-related conditions. For these reasons, this variant has been classified as Pathogenic.

Literature cited by the submitters: PubMed 2000476 (cited by Labcorp Genetics (formerly Invitae), Labcorp); PubMed 20004763 (cited by Labcorp Genetics (formerly Invitae), Labcorp); PubMed 20004764 (cited by Labcorp Genetics (formerly Invitae), Labcorp).

NM_001160372.4(TRAPPC9):c.2841dup (p.Glu948Ter)

Gene: TRAPPC9 (trafficking protein particle complex subunit 9; minus strand). Cytogenetic location: 8q24.3.
Variant type: Duplication.
Coding change: c.2841dup on transcript NM_001160372.4 (MANE Select); coding-DNA position 2841, one base duplicated (T; older notation c.2841dupT).
Protein change: p.Glu948Ter; replaces glutamic acid 948 with a stop codon.
Molecular consequence: nonsense. On other transcripts: non-coding transcript variant (1).
Genome position (GRCh38, 1-based): chr8:139,910,270, A duplicated on the plus strand (T on the coding strand, the reverse complement: TRAPPC9 is on the minus strand); the first of 3 consecutive A bases (chr8:139,910,270-139,910,272); duplicating any one gives the same sequence. VCF-style (leftmost placement, unchanged base first): chr8-139910269-C-CA. GRCh37 (hg19) VCF-style: chr8-140922513-C-CA.
Other names: c.2814dup, p.Glu939Ter (NM_001321646.2); c.2862dup, p.Glu955Ter (NM_001374682.1); c.2730dup, p.Glu911Ter (NM_001374683.1); c.2697dup, p.Glu900Ter (NM_001374684.1); c.2841dup, p.Glu948Ter (NM_031466.8); c.2841dupT (NM_031466.8); short protein forms E911*, E939*, E948*, E900*, E955*.
Identifiers: ClinVar variation 2778686 (VCV002778686.4), dbSNP rs1377398622, ClinGen allele CA585731677.